The following is an entry in ClinVar:

NM_006910.5(RBBP6):c.3405G>C (p.Glu1135Asp)

Gene: RBBP6 (RB binding protein 6, ubiquitin ligase; plus strand). Cytogenetic location: 16p12.1.
Variant type: single nucleotide variant.
Coding change: c.3405G>C on transcript NM_006910.5 (MANE Select); coding-DNA position 3405, G replaced by C.
Protein change: p.Glu1135Asp; replaces glutamic acid 1135 with aspartic acid.
Molecular consequence: missense variant.
Genome position (GRCh38, 1-based): chr16:24,570,095, G>C. VCF-style: chr16-24570095-G-C. GRCh37 (hg19) VCF-style: chr16-24581416-G-C.
Other names: c.3303G>C, p.Glu1101Asp (NM_018703.4); short protein forms E1101D, E1135D.
Identifiers: ClinVar variation 1337527 (VCV001337527.5), dbSNP rs112763526, ClinGen allele CA7967753.

ClinVar aggregate classification (germline): Uncertain significance. Review status: criteria provided, multiple submitters, no conflicts (2 of 4 stars). 2 submissions from 2 submitters: Uncertain significance (2). Last evaluated 2021-07-26.

Allele frequency attached by ClinVar (database versions not stated): gnomAD 0.00004 and 0.00005; gnomAD exomes 0.00004 and 0.00005; TOPMed 0.00004; ExAC 0.00005; 1000 Genomes Project 30x 0.00016; 1000 Genomes Project 0.00020.
gnomAD v4.1: 75 of 1,601,878 alleles (0.0047%); highest among the groups gnomAD compares: Middle Eastern, 0.37%; 3 homozygotes.

Submissions (2):

Genetic Services Laboratory, University of Chicago
Classification: Uncertain significance. Last evaluated: 2021-07-26. Review status: criteria provided, single submitter. Criteria: ACMG Guidelines, 2015. Collection method: clinical testing. Allele origin: germline. Affected: no.
Comment: DNA sequence analysis of the RBBP6 gene demonstrated a sequence change, c.3405G>C, in exon 17 that results in an amino acid change, p.Glu1135Asp. This sequence change has been described in the gnomAD database with a frequency of 0.0074% in the South Asian subpopulation (dbSNP rs112763526). The p.Glu1135Asp change affects a highly conserved amino acid residue located in a domain of the RBBP6 protein that is not known to be functional. In-silico pathogenicity prediction tools (SIFT, PolyPhen2, Align GVGD, REVEL) provide contradictory results for the p.Glu1135Asp substitution. This sequence change does not appear to have been previously described in individuals with RBBP6-related disorders. Due to insufficient evidences and the lack of functional studies, the clinical significance of the p.Glu1135Asp change remains unknown at this time.

Breakthrough Genomics
Classification: Uncertain significance. Review status: criteria provided, single submitter. Criteria: ACMG Guidelines, 2015. Collection method: not provided. Allele origin: germline. Inheritance: Unknown mechanism. Affected: yes.